The following is an entry in ClinVar:

NM_001854.4(COL11A1):c.1952G>C (p.Arg651Pro)

Gene: COL11A1 (collagen type XI alpha 1 chain; minus strand). Cytogenetic location: 1p21.1.
Variant type: single nucleotide variant.
Coding change: c.1952G>C on transcript NM_001854.4 (MANE Select); coding-DNA position 1952, G replaced by C.
Protein change: p.Arg651Pro; replaces arginine 651 with proline.
Molecular consequence: missense variant. On other transcripts: non-coding transcript variant (1).
Genome position (GRCh38, 1-based): chr1:103,003,261, C>G on the plus strand (G>C on the coding strand, the complement: COL11A1 is on the minus strand). VCF-style: chr1-103003261-C-G. GRCh37 (hg19) VCF-style: chr1-103468817-C-G.
Other names: c.1604G>C, p.Arg535Pro (NM_001168249.1, NM_080630.4); c.1835G>C, p.Arg612Pro (NM_001190709.2); c.1988G>C, p.Arg663Pro (NM_080629.3); short protein forms R535P, R612P, R651P, R663P.
Identifiers: ClinVar variation 2415123 (VCV002415123.7), dbSNP rs763512720, ClinGen allele CA341171783.
Genomic context (GRCh38, chr1:103,003,261, plus strand): 5'-CCAGCAATACATACAGGCTGCCCTGGAGCTCCTGGAGTTCCCCTTGGACCCAGCAAACCT[C>G]GTGGGCCCTAGGAGAAAAAGAAAAAGCACGCCTTTATTAAAAAAAAAAAATGTCCTAATA-3'
Protein context (NP_001845.3, residues 641-661): PRGLPGEAGP[Arg651Pro]GLLGPRGTPG

ClinVar aggregate classification (germline): Uncertain significance. Review status: criteria provided, multiple submitters, no conflicts (2 of 4 stars). 2 submissions from 2 submitters: Uncertain significance (2). Last evaluated 2023-03-20.

Allele frequency attached by ClinVar (database versions not stated): TOPMed below 0.00001; gnomAD 0.00001.
gnomAD v4.1: 3 of 1,612,650 alleles (0.00019%); highest among the groups gnomAD compares: Non-Finnish European, 0.00025%; no homozygotes.

Submissions (2):

Labcorp Genetics (formerly Invitae), Labcorp
Classification: Uncertain significance. Last evaluated: 2023-03-20. Review status: criteria provided, single submitter. Criteria: Invitae Variant Classification Sherloc (09022015). Collection method: clinical testing. Allele origin: germline.
Comment: In summary, the available evidence is currently insufficient to determine the role of this variant in disease. Therefore, it has been classified as a Variant of Uncertain Significance. This variant is not present in population databases (gnomAD no frequency). Advanced modeling of protein sequence and biophysical properties (such as structural, functional, and spatial information, amino acid conservation, physicochemical variation, residue mobility, and thermodynamic stability) has been performed at Invitae for this missense variant, however the output from this modeling did not meet the statistical confidence thresholds required to predict the impact of this variant on COL11A1 protein function. ClinVar contains an entry for this variant (Variation ID: 2415123). This variant has not been reported in the literature in individuals affected with COL11A1-related conditions. This sequence change replaces arginine, which is basic and polar, with proline, which is neutral and non-polar, at codon 651 of the COL11A1 protein (p.Arg651Pro).

Blueprint Genetics
Classification: Uncertain significance. Last evaluated: 2020-12-10. Review status: criteria provided, single submitter. Criteria: ACMG Guidelines, 2015. Collection method: clinical testing. Allele origin: germline.